The following is an entry in ClinVar:

ClinVar aggregate classification (germline): Uncertain significance (1 of 4 stars; one submission).

gnomAD v4.1: 1 of 1,613,864 alleles (0.000062%); highest among the groups gnomAD compares: African/African-American, 0.0013%; no homozygotes.

Submission:

GeneDx
Classification: Uncertain significance. Last evaluated: 2025-02-13. Review status: criteria provided, single submitter. Criteria: GeneDx Variant Classification Process June 2021. Collection method: clinical testing. Allele origin: germline. Affected: yes.
Comment: Not observed at significant frequency in large population cohorts (gnomAD); In silico analysis indicates that this missense variant does not alter protein structure/function; Has not been previously published as pathogenic or benign to our knowledge

NM_001170629.2(CHD8):c.6586C>A (p.His2196Asn)

Gene: CHD8 (chromodomain helicase DNA binding protein 8; minus strand). Cytogenetic location: 14q11.2.
Variant type: single nucleotide variant.
Coding change: c.6586C>A on transcript NM_001170629.2 (MANE Select); coding-DNA position 6586, C replaced by A.
Protein change: p.His2196Asn; replaces histidine 2196 with asparagine.
Molecular consequence: missense variant.
Genome position (GRCh38, 1-based): chr14:21,392,692, G>T on the plus strand (C>A on the coding strand, the complement: CHD8 is on the minus strand). VCF-style: chr14-21392692-G-T. GRCh37 (hg19) VCF-style: chr14-21860851-G-T.
Other names: c.5749C>A, p.His1917Asn (NM_020920.4); short protein forms H1917N, H2196N.
Identifiers: ClinVar variation 4075700 (VCV004075700.1).